The following is an entry in ClinVar:

NM_019066.5(MAGEL2):c.2224C>T (p.Arg742Cys)

Gene: MAGEL2 (MAGE family member L2; minus strand). Cytogenetic location: 15q11.2.
Variant type: single nucleotide variant.
Coding change: c.2224C>T on transcript NM_019066.5 (MANE Select); coding-DNA position 2224, C replaced by T.
Protein change: p.Arg742Cys; replaces arginine 742 with cysteine.
Molecular consequence: missense variant.
Genome position (GRCh38, 1-based): chr15:23,645,519, G>A on the plus strand (C>T on the coding strand, the complement: MAGEL2 is on the minus strand). VCF-style: chr15-23645519-G-A. GRCh37 (hg19) VCF-style: chr15-23890666-G-A.
Other names: short protein forms R742C.
Identifiers: ClinVar variation 4696835 (VCV004696835.1).

ClinVar aggregate classification (germline): Uncertain significance (1 of 4 stars; one submission).

Submission:

Labcorp Genetics (formerly Invitae), Labcorp
Classification: Uncertain significance. Last evaluated: 2025-07-27. Review status: criteria provided, single submitter. Criteria: Invitae Variant Classification Sherloc (09022015). Collection method: clinical testing. Allele origin: germline.
Comment: This sequence change replaces arginine, which is basic and polar, with cysteine, which is neutral and slightly polar, at codon 742 of the MAGEL2 protein (p.Arg742Cys). This variant is present in population databases (rs761568970, gnomAD 0.003%). This variant has not been reported in the literature in individuals affected with MAGEL2-related conditions. Invitae Evidence Modeling of protein sequence and biophysical properties (such as structural, functional, and spatial information, amino acid conservation, physicochemical variation, residue mobility, and thermodynamic stability) indicates that this missense variant is not expected to disrupt MAGEL2 protein function with a negative predictive value of 80%. In summary, the available evidence is currently insufficient to determine the role of this variant in disease. Therefore, it has been classified as a Variant of Uncertain Significance.